The following is an entry in ClinVar:

NM_001252024.2(TRPM1):c.4679_4680insTTTGAA (p.Val1559_Lys1560insAsnLeu)

Gene: TRPM1 (transient receptor potential cation channel subfamily M member 1; minus strand). Cytogenetic location: 15q13.3.
Variant type: Insertion.
Coding change: c.4679_4680insTTTGAA on transcript NM_001252024.2 (MANE Select); coding-DNA positions 4679 to 4680, TTTGAA inserted.
Protein change: p.Val1559_Lys1560insAsnLeu.
Molecular consequence: inframe insertion.
Genome position: GRCh38 VCF-style: chr15-31002020-C-CTTCAAA. GRCh37 (hg19) VCF-style: chr15-31294223-C-CTTCAAA.
Other names: c.4730_4731insTTTGAA, p.Val1576_Lys1577insAsnLeu (NM_001252020.2); c.4613_4614insTTTGAA, p.Val1537_Lys1538insAsnLeu (NM_002420.6).
Identifiers: ClinVar variation 1511968 (VCV001511968.6), dbSNP rs2141098538, ClinGen allele CA2573150623.

ClinVar aggregate classification (germline): Uncertain significance (1 of 4 stars; one submission).

Submission:

Labcorp Genetics (formerly Invitae), Labcorp
Classification: Uncertain significance. Last evaluated: 2025-11-03. Review status: criteria provided, single submitter. Criteria: Invitae Variant Classification Sherloc (09022015). Collection method: clinical testing. Allele origin: germline.
Comment: This variant, c.4613_4614insTTTGAA, results in the insertion of 2 amino acid(s) of the TRPM1 protein (p.Val1537_Lys1538insAsnLeu), but otherwise preserves the integrity of the reading frame. This variant is not present in population databases (gnomAD no frequency). This variant has not been reported in the literature in individuals affected with TRPM1-related conditions. ClinVar contains an entry for this variant (Variation ID: 1511968). Experimental studies and prediction algorithms are not available or were not evaluated, and the functional significance of this variant is currently unknown. In summary, the available evidence is currently insufficient to determine the role of this variant in disease. Therefore, it has been classified as a Variant of Uncertain Significance.